The following is an entry in ClinVar:

ClinVar aggregate classification (germline): Uncertain significance (1 of 4 stars; one submission).

Conditions:
Mevalonic aciduria (MEVA). Identifiers: Orphanet 29, MedGen C1959626, MONDO:0012481, OMIM 610377.
Hyperimmunoglobulin D with periodic fever (HIDS). Also called: HYPERIMMUNOGLOBULINEMIA D AND PERIODIC FEVER SYNDROME; Hyperimmunoglobulinemia D with periodic fever; Hyperimmunoglobulinemia D. Identifiers: Orphanet 343, MedGen C0398691, MONDO:0009849, OMIM 260920.
Porokeratosis 3, disseminated superficial actinic type (POROK3). Also called: POROKERATOSIS 3, MULTIPLE TYPES; POROKERATOSIS 3, MIBELLI TYPE; POROKERATOSIS, DISSEMINATED SUPERFICIAL ACTINIC, 1. Identifiers: MedGen C1867981, MONDO:0008293, OMIM 175900.

Submission:

Labcorp Genetics (formerly Invitae), Labcorp
Classification: Uncertain significance for Mevalonic aciduria; Hyperimmunoglobulin D with periodic fever; Porokeratosis 3, disseminated superficial actinic type. Last evaluated: 2025-10-21. Review status: criteria provided, single submitter. Criteria: Invitae Variant Classification Sherloc (09022015). Collection method: clinical testing. Allele origin: germline.
Comment: This sequence change falls in intron 6 of the MVK gene. It does not directly change the encoded amino acid sequence of the MVK protein. It affects a nucleotide within the consensus splice site. This variant is not present in population databases (gnomAD no frequency). This variant has not been reported in the literature in individuals affected with MVK-related conditions. ClinVar contains an entry for this variant (Variation ID: 1926772). Variants that disrupt the consensus splice site are a relatively common cause of aberrant splicing (PMID: 17576681, 9536098). Algorithms developed to predict the effect of sequence changes on RNA splicing suggest that this variant may disrupt the consensus splice site. In summary, the available evidence is currently insufficient to determine the role of this variant in disease. Therefore, it has been classified as a Variant of Uncertain Significance.

Literature cited by the submitters: PubMed 17576681; PubMed 9536098.

NM_000431.4(MVK):c.631+3A>T

Gene: MVK (mevalonate kinase; plus strand). Cytogenetic location: 12q24.11.
Variant type: single nucleotide variant.
Coding change: c.631+3A>T on transcript NM_000431.4 (MANE Select); 3 bases into the intron after coding-DNA position 631, A replaced by T.
Molecular consequence: intron variant.
Genome position (GRCh38, 1-based): chr12:109,586,128, A>T. VCF-style: chr12-109586128-A-T. GRCh37 (hg19) VCF-style: chr12-110023933-A-T.
Other names: c.475+3A>T (NM_001301182.2); c.631+3A>T (NM_001114185.3).
Identifiers: ClinVar variation 1926772 (VCV001926772.5), dbSNP rs1178525841, ClinGen allele CA2580085762.
Genomic context (GRCh38, chr12:109,586,128, plus strand): 5'-GGGGAGAGAATGATTCACGGGAACCCCTCCGGAGTGGACAATGCTGTCAGCACCTGGGGT[A>T]GGTGTGGCCTCAGGTTTATTTTATTGTTGTTATTTTAAAAATTCTTATTACAATGGTAGG-3'